The following is an entry in ClinVar:

NM_030930.4(UNC93B1):c.148C>A (p.Arg50Ser)

Genes: UNC93B1 (unc-93B1 regulator of TLR signaling; minus strand), LOC130006235 (ATAC-STARR-seq lymphoblastoid silent region 3653; plus strand). Cytogenetic location: 11q13.2.
Variant type: single nucleotide variant.
Coding change: c.148C>A on transcript NM_030930.4 (MANE Select); coding-DNA position 148, C replaced by A.
Protein change: p.Arg50Ser; replaces arginine 50 with serine.
Molecular consequence: missense variant.
Genome position (GRCh38, 1-based): chr11:68,003,747, G>T on the plus strand (C>A on the coding strand, the complement: UNC93B1 is on the minus strand). VCF-style: chr11-68003747-G-T. GRCh37 (hg19) VCF-style: chr11-67771217-G-T.
Other names: c.148C>A (NM_030930.2); short protein forms R50S.
Identifiers: ClinVar variation 626042 (VCV000626042.9), dbSNP rs934872284, ClinGen allele CA224219159.

ClinVar aggregate classification (germline): Uncertain significance. Review status: criteria provided, multiple submitters, no conflicts (2 of 4 stars). 4 submissions from 4 submitters: Uncertain significance (4). Last evaluated 2023-12-07.

Conditions:
Encephalopathy, acute, infection-induced (herpes-specific), susceptibility to, 1. Also called: Herpes simplex encephalitis, susceptibility to, 1. Identifiers: Orphanet 1930, MedGen C2750180, MONDO:0024563, OMIM 610551.

Allele frequency attached by ClinVar (database versions not stated): gnomAD 0.00004 and 0.00005; 1000 Genomes Project 30x 0.00047; TOPMed 0.00006.
gnomAD v4.1: 53 of 1,524,416 alleles (0.0035%); highest among the groups gnomAD compares: Admixed American, 0.1%; no homozygotes.

Submissions (4):

Ambry Genetics
Classification: Uncertain significance. Last evaluated: 2023-12-07. Review status: criteria provided, single submitter. Criteria: Ambry Variant Classification Scheme 2023. Collection method: clinical testing. Allele origin: germline.

Blueprint Genetics
Classification: Uncertain significance. Last evaluated: 2023-05-08. Review status: criteria provided, single submitter. Criteria: ACMG Guidelines, 2015. Collection method: clinical testing. Allele origin: germline.

Labcorp Genetics (formerly Invitae), Labcorp
Classification: Uncertain significance for Encephalopathy, acute, infection-induced (herpes-specific), susceptibility to, 1. Last evaluated: 2022-07-29. Review status: criteria provided, single submitter. Criteria: Invitae Variant Classification Sherloc (09022015). Collection method: clinical testing. Allele origin: germline.
Comment: This sequence change replaces arginine, which is basic and polar, with serine, which is neutral and polar, at codon 50 of the UNC93B1 protein (p.Arg50Ser). This variant is present in population databases (no rsID available, gnomAD 0.09%). This variant has not been reported in the literature in individuals affected with UNC93B1-related conditions. ClinVar contains an entry for this variant (Variation ID: 626042). In summary, the available evidence is currently insufficient to determine the role of this variant in disease. Therefore, it has been classified as a Variant of Uncertain Significance.

Center for Genomics, Ann and Robert H. Lurie Children's Hospital of Chicago
Classification: Uncertain significance for Encephalopathy, acute, infection-induced (herpes-specific), susceptibility to, 1. Last evaluated: 2021-12-22. Review status: criteria provided, single submitter. Criteria: ACMG Guidelines, 2015. Collection method: clinical testing. Allele origin: germline.
Comment: UNC93B1 NM_030930.3 exon 2 p.Arg50Ser (c.148C>A): This variant has not been reported in the literature but is present in 20/21274 Latino alleles in the Genome Aggregation Database. Evolutionary conservation and computational predictive tools for this variant are unclear. In summary, data on this variant is insufficient for disease classification. Therefore, the clinical significance of this variant is uncertain.